The following is an entry in ClinVar:

ClinVar aggregate classification (germline): Uncertain significance. Review status: criteria provided, multiple submitters, no conflicts (2 of 4 stars). 2 submissions from 2 submitters: Uncertain significance (2). Last evaluated 2023-09-21.

Conditions:
Autosomal dominant hypocalcemia 1 (HYPOC1). Also called: HYPOCALCEMIA, FAMILIAL. Identifiers: MedGen C3715128, MONDO:0011013, OMIM 601198.
Familial hypocalciuric hypercalcemia (FHH). Also called: Familial benign hypercalcemia. Identifiers: Orphanet 405, MedGen C1809471, MONDO:0018458.
Nephrolithiasis/nephrocalcinosis. Identifiers: MedGen CN580796.

Submissions (2):

Ambry Genetics
Classification: Uncertain significance for Nephrolithiasis/nephrocalcinosis. Last evaluated: 2023-09-21. Review status: criteria provided, single submitter. Criteria: Ambry Variant Classification Scheme 2023. Collection method: clinical testing. Allele origin: germline.
Comment: The p.G632S variant (also known as c.1894G>A), located in coding exon 6 of the CASR gene, results from a G to A substitution at nucleotide position 1894. The glycine at codon 632 is replaced by serine, an amino acid with similar properties. This amino acid position is highly conserved in available vertebrate species. In addition, this alteration is predicted to be deleterious by in silico analysis. Since supporting evidence is limited at this time, the clinical significance of this alteration remains unclear.

Labcorp Genetics (formerly Invitae), Labcorp
Classification: Uncertain significance for Familial hypocalciuric hypercalcemia; Autosomal dominant hypocalcemia 1. Last evaluated: 2023-08-17. Review status: criteria provided, single submitter. Criteria: Invitae Variant Classification Sherloc (09022015). Collection method: clinical testing. Allele origin: germline.
Comment: This sequence change replaces glycine, which is neutral and non-polar, with serine, which is neutral and polar, at codon 632 of the CASR protein (p.Gly632Ser). In summary, the available evidence is currently insufficient to determine the role of this variant in disease. Therefore, it has been classified as a Variant of Uncertain Significance. An algorithm developed to predict the effect of missense changes on protein structure and function (PolyPhen-2) suggests that this variant is likely to be disruptive. ClinVar contains an entry for this variant (Variation ID: 1018165). This variant has not been reported in the literature in individuals affected with CASR-related conditions. This variant is not present in population databases (gnomAD no frequency).

NM_000388.4(CASR):c.1894G>A (p.Gly632Ser)

Gene: CASR (calcium sensing receptor; plus strand). Cytogenetic location: 3q21.1.
Variant type: single nucleotide variant.
Coding change: c.1894G>A on transcript NM_000388.4 (MANE Select); coding-DNA position 1894, G replaced by A.
Protein change: p.Gly632Ser; replaces glycine 632 with serine.
Molecular consequence: missense variant.
Genome position (GRCh38, 1-based): chr3:122,283,848, G>A. VCF-style: chr3-122283848-G-A. GRCh37 (hg19) VCF-style: chr3-122002695-G-A.
Other names: c.1924G>A, p.Gly642Ser (NM_001178065.2); short protein forms G632S, G642S.
Identifiers: ClinVar variation 1018165 (VCV001018165.9), dbSNP rs2074924501, ClinGen allele CA354157869.